The following is an entry in ClinVar:

NM_030665.4(RAI1):c.2980C>T (p.Arg994Trp)

Gene: RAI1 (retinoic acid induced 1; plus strand). Cytogenetic location: 17p11.2.
Variant type: single nucleotide variant.
Coding change: c.2980C>T on transcript NM_030665.4 (MANE Select); coding-DNA position 2980, C replaced by T.
Protein change: p.Arg994Trp; replaces arginine 994 with tryptophan.
Molecular consequence: missense variant.
Genome position (GRCh38, 1-based): chr17:17,795,928, C>T. VCF-style: chr17-17795928-C-T. GRCh37 (hg19) VCF-style: chr17-17699242-C-T.
Other names: short protein forms R994W.
Identifiers: ClinVar variation 1448822 (VCV001448822.6), dbSNP rs1344593623, ClinGen allele CA398552605.

ClinVar aggregate classification (germline): Uncertain significance (1 of 4 stars; one submission).

Allele frequency attached by ClinVar (database versions not stated): gnomAD 0.00001 and 0.00002; gnomAD exomes 0.00001; TOPMed 0.00002.
gnomAD v4.1: 10 of 1,609,490 alleles (0.00062%); highest among the groups gnomAD compares: Admixed American, 0.0033%; no homozygotes.

Submission:

Labcorp Genetics (formerly Invitae), Labcorp
Classification: Uncertain significance. Last evaluated: 2022-11-01. Review status: criteria provided, single submitter. Criteria: Invitae Variant Classification Sherloc (09022015). Collection method: clinical testing. Allele origin: germline.
Comment: The frequency data for this variant in the population databases is considered unreliable, as metrics indicate poor data quality at this position in the gnomAD database. This variant has not been reported in the literature in individuals affected with RAI1-related conditions. ClinVar contains an entry for this variant (Variation ID: 1448822). Algorithms developed to predict the effect of missense changes on protein structure and function (SIFT, PolyPhen-2, Align-GVGD) all suggest that this variant is likely to be disruptive. In summary, the available evidence is currently insufficient to determine the role of this variant in disease. Therefore, it has been classified as a Variant of Uncertain Significance. This sequence change replaces arginine, which is basic and polar, with tryptophan, which is neutral and slightly polar, at codon 994 of the RAI1 protein (p.Arg994Trp).